The following is an entry in ClinVar:

NM_015178.3(RHOBTB2):c.634C>T (p.Arg212Cys)

Gene: RHOBTB2 (Rho related BTB domain containing 2; plus strand). Cytogenetic location: 8p21.3.
Variant type: single nucleotide variant.
Coding change: c.634C>T on transcript NM_015178.3 (MANE Select); coding-DNA position 634, C replaced by T.
Protein change: p.Arg212Cys; replaces arginine 212 with cysteine.
Molecular consequence: missense variant.
Genome position (GRCh38, 1-based): chr8:23,006,879, C>T. VCF-style: chr8-23006879-C-T. GRCh37 (hg19) VCF-style: chr8-22864392-C-T.
Other names: c.700C>T, p.Arg234Cys (NM_001160036.2); c.655C>T, p.Arg219Cys (NM_001160037.2); c.634C>T, p.Arg212Cys (NM_001374791.1); short protein forms R212C, R219C, R234C.
Identifiers: ClinVar variation 1302316 (VCV001302316.2), dbSNP rs1196935689, ClinGen allele CA370564486.

ClinVar aggregate classification (germline): Uncertain significance (1 of 4 stars; one submission).

Submission:

GeneDx
Classification: Uncertain significance. Last evaluated: 2019-07-30. Review status: criteria provided, single submitter. Criteria: GeneDx Variant Classification Process June 2021. Collection method: clinical testing. Allele origin: germline. Affected: yes.
Comment: Not observed in large population cohorts (Lek et al., 2016); In silico analysis, which includes protein predictors and evolutionary conservation, supports a deleterious effect; Has not been previously published as pathogenic or benign to our knowledge